The following is an entry in ClinVar:

ClinVar aggregate classification (germline): Uncertain significance (1 of 4 stars; one submission).

Submission:

GeneDx
Classification: Uncertain significance. Last evaluated: 2016-12-13. Review status: criteria provided, single submitter. Criteria: GeneDx Variant Classification (06012015). Collection method: clinical testing. Allele origin: germline. Affected: yes.
Comment: The c.199delG variant in the NDUFA2 gene has not been reported previously as a pathogenic variant nor as a benign variant, to our knowledge. The c.199delG variant is not observed in large population cohorts (Lek et al., 2016; 1000 Genomes Consortium et al., 2015; Exome Variant Server). The c.199delG variant causes a frameshift starting with codon Alanine 67, changes this amino acid to a Proline residue, and creates a premature Stop codon at position 13 of the new reading frame, denoted p.Ala67ProfsX13 . This variant is predicted to result in protein truncation, as the last 33 amino acids of the protein are replaced by 12 incorrect amino acids; however, loss-of-function variants have not been previously reported in this region of the protein, so the effect of this variant on protein function is currently unknown. We interpret c.199delG as a variant of uncertain significance.

NM_002488.5(NDUFA2):c.199del (p.Ala67fs)

Genes: NDUFA2 (NADH:ubiquinone oxidoreductase subunit A2; minus strand), TMCO6 (transmembrane and coiled-coil domains 6; plus strand). Cytogenetic location: 5q31.3.
Variant type: Deletion.
Coding change: c.199del on transcript NM_002488.5 (MANE Select); coding-DNA position 199, one base deleted (G; older notation c.199delG).
Protein change: p.Ala67fs; shifts the reading frame from alanine 67.
Molecular consequence: frameshift variant. On other transcripts: non-coding transcript variant (1).
Genome position (GRCh38, 1-based): chr5:140,647,265, C deleted on the plus strand (G on the coding strand, the reverse complement: NDUFA2 is on the minus strand); the first of 3 consecutive C bases (chr5:140,647,265-140,647,267); deleting any one gives the same sequence. VCF-style (leftmost placement, unchanged base first): chr5-140647264-GC-G. GRCh37 (hg19) VCF-style: chr5-140026849-GC-G.
Other names: c.199del, p.Ala67fs (NM_001185012.2); c.199delG (NM_002488.4); short protein forms A67fs.
Identifiers: ClinVar variation 373817 (VCV000373817.1), dbSNP rs1057518631, ClinGen allele CA16042587.